The following is an entry in ClinVar:

NM_000890.5(KCNJ5):c.1121G>A (p.Gly374Asp)

Gene: KCNJ5 (potassium inwardly rectifying channel subfamily J member 5; plus strand). Cytogenetic location: 11q24.3.
Variant type: single nucleotide variant.
Coding change: c.1121G>A on transcript NM_000890.5 (MANE Select); coding-DNA position 1121, G replaced by A.
Protein change: p.Gly374Asp; replaces glycine 374 with aspartic acid.
Molecular consequence: missense variant.
Genome position (GRCh38, 1-based): chr11:128,916,592, G>A. VCF-style: chr11-128916592-G-A. GRCh37 (hg19) VCF-style: chr11-128786487-G-A.
Other names: c.1121G>A, p.Gly374Asp (NM_001354169.2); short protein forms G374D.
Identifiers: ClinVar variation 3287651 (VCV003287651.1).
Genomic context (GRCh38, chr11:128,916,592, plus strand): 5'-CCTATGAGACCAACACACCCAGCTGCTGTGCCAAGGAGCTGGCAGAAATGAAGAGGGAAG[G>A]CCGGCTCCTCCAGTACCTCCCCAGCCCCCCACTGCTGGGGGGCTGTGCTGAGGCAGGGCT-3'
Protein context (NP_000881.3, residues 364-384): AKELAEMKRE[Gly374Asp]RLLQYLPSPP

ClinVar aggregate classification (germline): Uncertain significance (1 of 4 stars; one submission).

Conditions:
Cardiovascular phenotype. Identifiers: MedGen CN230736.

Submission:

Ambry Genetics
Classification: Uncertain significance for Cardiovascular phenotype. Last evaluated: 2024-05-08. Review status: criteria provided, single submitter. Criteria: Ambry Variant Classification Scheme 2023. Collection method: clinical testing. Allele origin: germline.
Comment: The p.G374D variant (also known as c.1121G>A), located in coding exon 2 of the KCNJ5 gene, results from a G to A substitution at nucleotide position 1121. The glycine at codon 374 is replaced by aspartic acid, an amino acid with similar properties. This amino acid position is not well conserved in available vertebrate species. In addition, the in silico prediction for this alteration is inconclusive. Based on the available evidence, the clinical significance of this variant remains unclear.